The following is an entry in ClinVar:

NM_017947.4(MOCOS):c.1849A>G (p.Met617Val)

Gene: MOCOS (molybdenum cofactor sulfurase; plus strand). Cytogenetic location: 18q12.2.
Variant type: single nucleotide variant.
Coding change: c.1849A>G on transcript NM_017947.4 (MANE Select); coding-DNA position 1849, A replaced by G.
Protein change: p.Met617Val; replaces methionine 617 with valine.
Molecular consequence: missense variant.
Genome position (GRCh38, 1-based): chr18:36,220,106, A>G. VCF-style: chr18-36220106-A-G. GRCh37 (hg19) VCF-style: chr18-33800069-A-G.
Other names: short protein forms M617V.
Identifiers: ClinVar variation 657364 (VCV000657364.10), dbSNP rs746750840, ClinGen allele CA8940849.
Genomic context (GRCh38, chr18:36,220,106, plus strand): 5'-TTTGTTTAGGTGACCAGGTGGCCTGTAGGAAACCAAGGGCTGCTATATGACCGGAGCTGG[A>G]TGGTTGTGAATCACAATGGTGTTTGCCTGAGTCAGAAGCAGGAACCCCGGCTCTGCCTGA-3'
Protein context (NP_060417.4, residues 607-627): NQGLLYDRSW[Met617Val]VVNHNGVCLS

ClinVar aggregate classification (germline): Uncertain significance. Review status: criteria provided, multiple submitters, no conflicts (2 of 4 stars). 3 submissions from 3 submitters: Uncertain significance (3). Last evaluated 2024-03-01.

Conditions:
Xanthinuria type II. Also called: Xanthine dehydrogenase and aldehyde oxidase combined deficiency of; XDH and AOX dual deficiency. Identifiers: Orphanet 3467, Orphanet 93602, MedGen C1863688, MONDO:0011346, OMIM 603592.

Allele frequency attached by ClinVar (database versions not stated): gnomAD exomes 0.00001; ExAC 0.00002; gnomAD 0.00008 and 0.00009; TOPMed 0.00010.
gnomAD v4.1: 24 of 1,613,816 alleles (0.0015%); highest among the groups gnomAD compares: African/African-American, 0.023%; no homozygotes.

Submissions (3):

Ambry Genetics
Classification: Uncertain significance. Last evaluated: 2024-03-01. Review status: criteria provided, single submitter. Criteria: Ambry Variant Classification Scheme 2023. Collection method: clinical testing. Allele origin: germline.

Labcorp Genetics (formerly Invitae), Labcorp
Classification: Uncertain significance for Xanthinuria type II. Last evaluated: 2022-06-03. Review status: criteria provided, single submitter. Criteria: Invitae Variant Classification Sherloc (09022015). Collection method: clinical testing. Allele origin: germline.
Comment: This sequence change replaces methionine, which is neutral and non-polar, with valine, which is neutral and non-polar, at codon 617 of the MOCOS protein (p.Met617Val). This variant is present in population databases (rs746750840, gnomAD 0.02%). This variant has not been reported in the literature in individuals affected with MOCOS-related conditions. ClinVar contains an entry for this variant (Variation ID: 657364). Algorithms developed to predict the effect of missense changes on protein structure and function are either unavailable or do not agree on the potential impact of this missense change (SIFT: "Deleterious"; PolyPhen-2: "Possibly Damaging"; Align-GVGD: "Class C0"). In summary, the available evidence is currently insufficient to determine the role of this variant in disease. Therefore, it has been classified as a Variant of Uncertain Significance.

Fulgent Genetics
Classification: Uncertain significance for Xanthinuria type II. Last evaluated: 2022-03-04. Review status: criteria provided, single submitter. Criteria: ACMG Guidelines, 2015. Collection method: clinical testing. Allele origin: unknown.